The following is an entry in ClinVar:

NM_000059.4(BRCA2):c.8009C>G (p.Ser2670Trp)

Gene: BRCA2 (BRCA2 DNA repair associated; plus strand). Cytogenetic location: 13q13.1.
Variant type: single nucleotide variant.
Coding change: c.8009C>G on transcript NM_000059.4 (MANE Select); coding-DNA position 8009, C replaced by G.
Protein change: p.Ser2670Trp; replaces serine 2670 with tryptophan.
Molecular consequence: missense variant.
Genome position (GRCh38, 1-based): chr13:32,363,211, C>G. VCF-style: chr13-32363211-C-G. GRCh37 (hg19) VCF-style: chr13-32937348-C-G.
Other names: NM_000059.4(BRCA2):c.8009C>G; p.Ser2670Trp; short protein forms S2670W.
Identifiers: ClinVar variation 489785 (VCV000489785.38), dbSNP rs80359035, ClinGen allele CA387748738.

ClinVar aggregate classification (germline): Pathogenic. Review status: reviewed by expert panel (3 of 4 stars). 7 submissions from 7 submitters: Pathogenic (1). 6 of the submissions do not count toward it. Last evaluated 2025-12-02.

Conditions:
Hereditary breast ovarian cancer syndrome. Also called: Breast and ovarian cancer; Hereditary breast and/or ovarian cancer syndrome; Hereditary breast and ovarian cancer syndrome (HBOC); Hereditary breast and ovarian cancer; BRCA1- and BRCA2-Associated Hereditary Breast and Ovarian Cancer; Hereditary breast and ovarian cancer syndrome. Identifiers: Orphanet 145, MedGen C0677776, MeSH D061325, MONDO:0003582. Disease mechanism: loss of function.
BRCA2-related cancer predisposition. Identifiers: MedGen CN377758, MONDO:0700269.
Hereditary cancer-predisposing syndrome. Also called: Hereditary neoplastic syndrome; Neoplastic Syndromes, Hereditary; Hereditary Cancer Syndrome; Tumor predisposition. Identifiers: Orphanet 140162, MedGen C0027672, MeSH D009386, MONDO:0015356.

Submissions (7):

ClinGen ENIGMA BRCA1 and BRCA2 Variant Curation Expert Panel, ClinGen
Classification: Pathogenic for BRCA2-related cancer predisposition. Last evaluated: 2025-12-02. Review status: reviewed by expert panel. Criteria: CSpec BRCA12ACMG Rules Specifications V1.1. Collection method: curation. Allele origin: germline. Inheritance: Autosomal dominant inheritance.
Comment: The c.8009C>G variant in BRCA2 is a missense variant predicted to cause substitution of Serine by Tryptophan at amino acid 2670 (p.(Ser2670Trp)). This variant is absent from gnomAD v2.1 (exomes only, non-cancer subset, read depth ≥25) and gnomAD v3.1 (non-cancer subset, read depth ≥25) (PM2_Supporting met). This is a missense variant inside a key functional domain. mRNA experimental analysis indicates production of a sufficient amount of wildtype transcript (80% Canonical transcript and 20% E18 skipping) (PMID: 28339459), but is not applied as strong evidence against pathogenicity since BS3 is not met (BP7_Strong (RNA) not met). Missense variant shown to alter splicing, although with sufficient amount of canonical transcript, hence results from two calibrated protein function studies with cDNA-based design were considered for code application. Reported to exhibit protein function similar to pathogenic control variants (PMIDs: 38417439, 32444794) (PS3 met). This BRCA2 missense variant is within a key functional domain and the computational predictor BayesDel (noAF) gives a score of 0.16, which is below the recommended threshold of 0.18 for predicting no impact on BRCA2 via protein change. A SpliceAI score of 0.03 predicts no impact on splicing (score threshold <0.10) (BP4 met). Multifactorial likelihood ratio analysis using clinically calibrated data produced a combined LR for this variant of 7269.3 (based on Cosegregation LR=818; Pathology LR=10.2; Family History LR=0.87), above the threshold for very strong evidence towards pathogenicity (LR >350) (PP4_Very strong met; PMID: 34597585). In summary, this variant meets the criteria to be classified as a Pathogenic variant for BRCA2-related cancer predisposition based on the ACMG/AMP criteria applied as specified by the ENIGMA BRCA1/2 VCEP (PM2_Supporting, BP4, PP4_Very strong, PS3).

Ambry Genetics
Classification: Likely pathogenic for Hereditary cancer-predisposing syndrome. Last evaluated: 2025-10-01. Review status: criteria provided, single submitter. Criteria: Ambry Variant Classification Scheme 2023. Collection method: clinical testing. Allele origin: germline. Not counted in ClinVar's aggregate classification.
Comment: The p.S2670W variant (also known as c.8009C>G), located in coding exon 17 of the BRCA2 gene, results from a C to G substitution at nucleotide position 8009. The serine at codon 2670 is replaced by tryptophan, an amino acid with highly dissimilar properties. This amino acid position is highly conserved through mammals but not in all available vertebrate species. RNA studies have shown this variant to result in an incomplete splicing impact, resulting in a transcript which skips exon 17 that is expected to result in loss-of-function (Ambry internal data; Fraile-Bethencourt E et al. Front Genet, 2019 May;10:503; Fraile-Bethencourt E et al. PLoS Genet, 2017 Mar;13:e1006691). This alteration was classified as pathogenic in a multifactorial model of variant interpretation that incorporates co-segregation, family history, co-occurrence, and tumor pathology data (Caputo SM et al. Am J Hum Genet, 2021 Oct;108:1907-1923). This variant was deleterious in a drug sensitivity protein functional assay (Ikegami M et al. Nat Commun, 2020 May;11:2573). Based on internal structural analysis, S2670W is structurally deleterious. The variant is highly destabilizing to the local structure (Yang H et al. Science, 2002 Sep;297:1837-48) In addition, this alteration is predicted to be deleterious by in silico analysis. This variant is considered to be rare based on population cohorts in the Genome Aggregation Database (gnomAD). Based on the majority of available evidence to date, this variant is likely to be pathogenic.

Labcorp Genetics (formerly Invitae), Labcorp
Classification: Pathogenic for Hereditary breast ovarian cancer syndrome. Last evaluated: 2025-07-17. Review status: criteria provided, single submitter. Criteria: Invitae Variant Classification Sherloc (09022015). Collection method: clinical testing. Allele origin: germline. Not counted in ClinVar's aggregate classification.
Comment: This sequence change replaces serine, which is neutral and polar, with tryptophan, which is neutral and slightly polar, at codon 2670 of the BRCA2 protein (p.Ser2670Trp). This variant is not present in population databases (gnomAD no frequency). This missense change has been observed in individual(s) with a personal and/or family history of breast and/or ovarian cancer (PMID: 28664449, 29752822). ClinVar contains an entry for this variant (Variation ID: 489785). Based on a multifactorial likelihood algorithm using genetic, in silico, and/or statistical data, this variant has been determined to have a high probability of being pathogenic (PMID: 34597585). Studies have shown that this missense change is associated with altered splicing (PMID: 28339459). This variant disrupts the p.Ser2670 amino acid residue in BRCA2. Other variant(s) that disrupt this residue have been determined to be pathogenic (PMID: 19043619, 23096355, 24735155, 26250392, 29394989). This suggests that this residue is clinically significant, and that variants that disrupt this residue are likely to be disease-causing. For these reasons, this variant has been classified as Pathogenic.

GeneKor MSA
Classification: Likely pathogenic for Hereditary breast ovarian cancer syndrome. Last evaluated: 2025-06-02. Review status: criteria provided, single submitter. Criteria: ACMG Guidelines, 2015. Collection method: clinical testing. Allele origin: germline. Not counted in ClinVar's aggregate classification.
Comment: This sequence change replaces Serine with Tryptophan at codon 2670 of the BRCA2 protein. This variant is not present in the population databases (rs80359035, gnomAD no frequency) but is described in mutation database ClinVar (VCV000489785.28). This missense change has been observed in individual(s) with a personal and/or family history of breast and/or ovarian cancer (PMID:28664449, 29752822). Advanced modeling of protein sequence and biophysical properties indicates that this missense variant is expected to disrupt BRCA2 protein function. Studies have shown that this variant is associated with altered splicing, but the impact on the resulting protein product is unknown (PMID:28339459 This suggests that this residue is clinically significant, and that variants that disrupt this residue are likely to be disease-causing. In summary, the currently available evidence indicates that the variant is pathogenic, but additional data are needed to prove that conclusively. Based on the classification criteria set by the ACMG and AMP (PMID:25741868) this variant has been classified as likely pathogenic.

German Consortium for Hereditary Breast and Ovarian Cancer, University Hospital Cologne
Classification: Likely pathogenic for Hereditary breast ovarian cancer syndrome. Last evaluated: 2024-04-09. Review status: criteria provided, single submitter. Criteria: ClinGen BRCA2 V1.0.0. Collection method: curation. Allele origin: germline. Not counted in ClinVar's aggregate classification.
Comment: According to the ClinGen ENIGMA BRCA2 v1.0.0 criteria we chose these criteria: PM2 (supporting pathogenic): Absent from controls, PP4 (very strong pathogenic): Caputo SM et al., 2021, Combined LR: 7,283.30 , BP4 (supporting benign): BayesDel no-AF score: 0.1593

CeGaT Center for Human Genetics Tuebingen
Classification: Uncertain significance. Last evaluated: 2024-01-01. Review status: criteria provided, single submitter. Criteria: CeGaT Center For Human Genetics Tuebingen Variant Classification Criteria Version 2. Collection method: clinical testing. Allele origin: germline. Affected: yes. Observed: 1 variant allele. Not counted in ClinVar's aggregate classification.
Comment: BRCA2: PM2, PM5, PS4:Moderate, BP1

Color Diagnostics, LLC DBA Color Health
Classification: Likely pathogenic for Hereditary cancer-predisposing syndrome. Last evaluated: 2022-06-10. Review status: criteria provided, single submitter. Criteria: ACMG Guidelines, 2015. Collection method: clinical testing. Allele origin: germline. Not counted in ClinVar's aggregate classification.
Comment: This missense variant replaces serine with tryptophan at codon 2670 of the BRCA2 protein. Computational prediction suggests that this variant may have deleterious impact on protein structure and function (internally defined REVEL score threshold >= 0.7, PMID: 27666373). An RNA study reported that this variant caused leaky out-of-frame skipping of exon 18 in a minigene splicing assay (PMID: 28339459). This variant has been reported in an individual affected with breast cancer and several suspected hereditary breast and ovarian cancer families (PMID: 28664449, 29752822, 34597585). This variant has been observed to cosegregate with disease in multiple families with a likelihood ratio for pathogenicity of 819.97 (PMID: 34597585). This variant has not been identified in the general population by the Genome Aggregation Database (gnomAD). Based on the available evidence, this variant is classified as Likely Pathogenic.

Literature cited by the submitters: PubMed 12228710 (cited by Ambry Genetics); PubMed 15026808 (cited by Ambry Genetics); PubMed 23108138 (cited by Ambry Genetics); PubMed 24013206 (cited by Ambry Genetics); PubMed 28339459 (cited by 4 submitters); PubMed 31191615 (cited by Ambry Genetics); PubMed 32444794 (cited by Ambry Genetics); PubMed 34597585 (cited by 3 submitters); PubMed 28664449 (cited by 3 submitters); PubMed 29752822 (cited by 3 submitters); PubMed 19043619 (cited by Labcorp Genetics (formerly Invitae), Labcorp); PubMed 23096355 (cited by Labcorp Genetics (formerly Invitae), Labcorp); PubMed 24735155 (cited by Labcorp Genetics (formerly Invitae), Labcorp); PubMed 26250392 (cited by Labcorp Genetics (formerly Invitae), Labcorp); PubMed 29394989 (cited by Labcorp Genetics (formerly Invitae), Labcorp).